The following is an entry in ClinVar:

NM_001122955.4(BSCL2):c.634A>G (p.Met212Val)

Genes: HNRNPUL2-BSCL2 (HNRNPUL2-BSCL2 readthrough (NMD candidate); minus strand), BSCL2 (BSCL2 lipid droplet biogenesis associated, seipin; minus strand). Cytogenetic location: 11q12.3.
Variant type: single nucleotide variant.
Coding change: c.634A>G on transcript NM_001122955.4 (MANE Select); coding-DNA position 634, A replaced by G.
Protein change: p.Met212Val; replaces methionine 212 with valine.
Molecular consequence: missense variant. On other transcripts: non-coding transcript variant (1).
Genome position (GRCh38, 1-based): chr11:62,692,794, T>C on the plus strand (A>G on the coding strand, the complement: BSCL2 is on the minus strand). VCF-style: chr11-62692794-T-C. GRCh37 (hg19) VCF-style: chr11-62460266-T-C.
Other names: c.442A>G, p.Met148Val (NM_001130702.2, NM_032667.6); c.634A>G, p.Met212Val (NM_001386027.1, NM_001386028.1); short protein forms M148V, M212V.
Identifiers: ClinVar variation 1707025 (VCV001707025.2), dbSNP rs2539150529, ClinGen allele CA380963527.

ClinVar aggregate classification (germline): Uncertain significance (1 of 4 stars; one submission).

Submission:

GeneDx
Classification: Uncertain significance. Last evaluated: 2022-03-21. Review status: criteria provided, single submitter. Criteria: GeneDx Variant Classification Process June 2021. Collection method: clinical testing. Allele origin: germline. Affected: yes.
Comment: Not observed at significant frequency in large population cohorts (gnomAD); In silico analysis supports that this missense variant has a deleterious effect on protein structure/function; Has not been previously published as pathogenic or benign to our knowledge